The following is an entry in ClinVar:

NM_018714.3(COG1):c.967C>T (p.His323Tyr)

Genes: COG1 (component of oligomeric golgi complex 1; plus strand), LOC126862634 (CDK7 strongly-dependent group 2 enhancer GRCh37_chr17:71195948-71197147; plus strand). Cytogenetic location: 17q25.1.
Variant type: single nucleotide variant.
Coding change: c.967C>T on transcript NM_018714.3 (MANE Select); coding-DNA position 967, C replaced by T.
Protein change: p.His323Tyr; replaces histidine 323 with tyrosine.
Molecular consequence: missense variant.
Genome position (GRCh38, 1-based): chr17:73,199,918, C>T. VCF-style: chr17-73199918-C-T. GRCh37 (hg19) VCF-style: chr17-71196057-C-T.
Other names: short protein forms H323Y.
Identifiers: ClinVar variation 2461696 (VCV002461696.4), dbSNP rs369505856, ClinGen allele CA293802497.

ClinVar aggregate classification (germline): Uncertain significance. Review status: criteria provided, multiple submitters, no conflicts (2 of 4 stars). 2 submissions from 2 submitters: Uncertain significance (2). Last evaluated 2025-02-28.

Conditions:
Inborn genetic diseases. Identifiers: MedGen C0950123, MeSH D030342.

Allele frequency attached by ClinVar (database versions not stated): gnomAD 0.00001; ESP Exome Variant Server 0.00008.
gnomAD v4.1: 61 of 1,614,098 alleles (0.0038%); highest among the groups gnomAD compares: Middle Eastern, 0.016%; no homozygotes.

Submissions (2):

Ambry Genetics
Classification: Uncertain significance for Inborn genetic diseases. Last evaluated: 2025-02-28. Review status: criteria provided, single submitter. Criteria: Ambry Variant Classification Scheme 2023. Collection method: clinical testing. Allele origin: germline.

GeneDx
Classification: Uncertain significance. Last evaluated: 2023-03-20. Review status: criteria provided, single submitter. Criteria: GeneDx Variant Classification Process June 2021. Collection method: clinical testing. Allele origin: germline. Affected: yes.
Comment: Not observed at significant frequency in large population cohorts (gnomAD); In silico analysis supports that this missense variant does not alter protein structure/function; Has not been previously published as pathogenic or benign to our knowledge